The following is an entry in ClinVar:

NM_000342.4(SLC4A1):c.567C>G (p.Leu189=)

Gene: SLC4A1 (solute carrier family 4 member 1 (Diego blood group); minus strand). Cytogenetic location: 17q21.31.
Variant type: single nucleotide variant.
Coding change: c.567C>G on transcript NM_000342.4 (MANE Select); coding-DNA position 567, C replaced by G.
Protein change: p.Leu189=; no amino-acid change (leucine 189 retained).
Molecular consequence: synonymous variant.
Genome position (GRCh38, 1-based): chr17:44,259,851, G>C on the plus strand (C>G on the coding strand, the complement: SLC4A1 is on the minus strand). VCF-style: chr17-44259851-G-C. GRCh37 (hg19) VCF-style: chr17-42337219-G-C.
Identifiers: ClinVar variation 890798 (VCV000890798.9), dbSNP rs746103796, ClinGen allele CA8600559.

ClinVar aggregate classification (germline): Conflicting classifications of pathogenicity. Review status: criteria provided, conflicting classifications (1 of 4 stars). 5 submissions from 3 submitters: Uncertain significance (2); Likely benign (2). 1 of the submissions does not count toward it. Last evaluated 2025-03-28.

Conditions:
SLC4A1-related disorder. Also called: SLC4A1-related disorders; SLC4A1-related condition.
Hereditary spherocytosis type 4. Also called: SLC4A1-Related Spherocytosis. Identifiers: Orphanet 822, MedGen C2675212, MONDO:0012981, OMIM 612653.
Autosomal dominant distal renal tubular acidosis (DRTA1). Also called: RTA, CLASSIC TYPE; RTA, DISTAL TYPE, AUTOSOMAL DOMINANT; RTA, GRADIENT TYPE; Renal Tubular Acidosis, Type I; RENAL TUBULAR ACIDOSIS, DISTAL, 1. Identifiers: Orphanet 93608, MedGen CN280572, MONDO:0008368, OMIM 179800.
Hemolytic anemia. Identifiers: MedGen C0002878, MONDO:0003664, HP:0001878.

Allele frequency attached by ClinVar (database versions not stated): gnomAD 0.00001; ExAC 0.00002; TOPMed 0.00002.
gnomAD v4.1: 20 of 1,613,958 alleles (0.0012%); highest among the groups gnomAD compares: Non-Finnish European, 0.0016%; no homozygotes.

Submissions (5):

Labcorp Genetics (formerly Invitae), Labcorp
Classification: Likely benign. Last evaluated: 2025-03-28. Review status: criteria provided, single submitter. Criteria: Invitae Variant Classification Sherloc (09022015). Collection method: clinical testing. Allele origin: germline.

Illumina Laboratory Services, Illumina
Classification: Uncertain significance for Hemolytic anemia. Last evaluated: 2018-01-13. Review status: criteria provided, single submitter. Criteria: ICSL Variant Classification Criteria 13 December 2019. Collection method: clinical testing. Allele origin: germline.

Illumina Laboratory Services, Illumina
Classification: Uncertain significance for Hereditary spherocytosis type 4. Last evaluated: 2018-01-13. Review status: criteria provided, single submitter. Criteria: ICSL Variant Classification Criteria 13 December 2019. Collection method: clinical testing. Allele origin: germline.

Illumina Laboratory Services, Illumina
Classification: Likely benign for Autosomal dominant distal renal tubular acidosis. Last evaluated: 2018-01-13. Review status: criteria provided, single submitter. Criteria: ICSL Variant Classification Criteria 13 December 2019. Collection method: clinical testing. Allele origin: germline.
Comment: This variant was observed in the ICSL laboratory as part of a predisposition screen in an ostensibly healthy population. It had not been previously curated by ICSL or reported in the Human Gene Mutation Database (HGMD: prior to June 1st, 2018), and was therefore a candidate for classification through an automated scoring system. Utilizing variant allele frequency, disease prevalence and penetrance estimates, and inheritance mode, an automated score was calculated to assess if this variant is too frequent to cause the disease. Based on the score and internal cut-off values, a variant classified as likely benign is not then subjected to further curation. The score for this variant resulted in a classification of likely benign for this disease.

PreventionGenetics, part of Exact Sciences
Classification: Likely benign for SLC4A1-related condition. Last evaluated: 2019-04-02. Review status: no assertion criteria provided. Collection method: clinical testing. Allele origin: germline. Not counted in ClinVar's aggregate classification.
Comment: This variant is classified as likely benign based on ACMG/AMP sequence variant interpretation guidelines (Richards et al. 2015 PMID: 25741868, with internal and published modifications).